The following is an entry in ClinVar:

NM_006088.6(TUBB4B):c.1172G>A (p.Arg391His)

Gene: TUBB4B (tubulin beta 4B class IVb; plus strand). Cytogenetic location: 9q34.3.
Variant type: single nucleotide variant.
Coding change: c.1172G>A on transcript NM_006088.6 (MANE Select); coding-DNA position 1172, G replaced by A.
Protein change: p.Arg391His; replaces arginine 391 with histidine.
Molecular consequence: missense variant.
Genome position (GRCh38, 1-based): chr9:137,243,390, G>A. VCF-style: chr9-137243390-G-A. GRCh37 (hg19) VCF-style: chr9-140137842-G-A.
Other names: short protein forms R391H.
Identifiers: ClinVar variation 492938 (VCV000492938.5), dbSNP rs1554786803, ClinGen allele CA375756093.
Genomic context (GRCh38, chr9:137,243,390, plus strand): 5'-GCACGGCCATCCAGGAGCTGTTCAAGCGCATCTCCGAGCAGTTCACGGCCATGTTCCGGC[G>A]CAAGGCCTTCCTGCACTGGTACACGGGCGAGGGCATGGACGAGATGGAGTTCACCGAGGC-3'
Protein context (NP_006079.1, residues 381-401): ISEQFTAMFR[Arg391His]KAFLHWYTGE

ClinVar aggregate classification (germline): Pathogenic/Likely pathogenic. Review status: criteria provided, multiple submitters, no conflicts (2 of 4 stars). 5 submissions from 5 submitters: Pathogenic (3); Likely pathogenic (1). 1 of the submissions does not count toward it. Last evaluated 2022-02-15.

Conditions:
TUBB4B-related disorder. Also called: TUBB4B-related condition.
Leber congenital amaurosis with early-onset deafness. Identifiers: MedGen C4693498, MONDO:0060650, OMIM 617879.
Retinal disorder. Also called: Retinopathies; Retinal Diseases; Retinal disorders; Retinopathy. Identifiers: MedGen C0035309, MONDO:0005283, HP:0000488.

Submissions (5):

AURAGEN, Plan France Médecine Génomique
Classification: Pathogenic for Retinal disorder. Last evaluated: 2022-02-15. Review status: criteria provided, single submitter. Criteria: PFMG2025 (Lancet Reg Health Eur. 2025). Collection method: clinical testing. Allele origin: germline. Affected: yes.

Blueprint Genetics
Classification: Pathogenic for TUBB4B-related disorders. Last evaluated: 2022-01-21. Review status: criteria provided, single submitter. Criteria: ACMG Guidelines, 2015. Collection method: clinical testing. Allele origin: germline. Affected: yes. Observed: 4 variant alleles.

Institute of Medical Genetics and Applied Genomics, University Hospital Tübingen
Classification: Pathogenic. Last evaluated: 2021-09-15. Review status: criteria provided, single submitter. Criteria: ACMG Guidelines, 2015. Collection method: clinical testing. Allele origin: germline. Inheritance: Autosomal dominant inheritance. Affected: yes.

SIB Swiss Institute of Bioinformatics
Classification: Likely pathogenic for Leber congenital amaurosis with early-onset deafness. Last evaluated: 2018-10-15. Review status: criteria provided, single submitter. Criteria: ACMG Guidelines, 2015. Collection method: curation. Allele origin: inherited.
Comment: This variant is interpreted as Likely Pathogenic, for Leber congenital amaurosis with early-onset deafness, autosomal dominant. The following ACMG Tag(s) were applied: PP3 => Multiple lines of computational evidence support a deleterious effect on the gene or gene product. PM6 => Assumed de novo, but without confirmation of paternity and maternity (PubMed 29198720). PP1 => Cosegregation with disease in multiple affected family members in a gene definitively known to cause the disease (PubMed 29198720). PS3-Moderate => PS3 downgraded in strength to Moderate (PubMed 29198720). PM2 => Absent from controls (or at extremely low frequency if recessive) in Exome Sequencing Project, 1000 Genomes Project, or Exome Aggregation Consortium. PS4-Supporting => PS4 downgraded in strength to Supporting (PubMed 29198720).

OMIM
Classification: Pathogenic for LEBER CONGENITAL AMAUROSIS AND EARLY-ONSET DEAFNESS. Last evaluated: 2018-02-16. Review status: no assertion criteria provided. Collection method: literature only. Allele origin: germline. Not counted in ClinVar's aggregate classification.

Literature cited by the submitters: PubMed 29198720 (cited by SIB Swiss Institute of Bioinformatics and OMIM).